The following is an entry in ClinVar:

NM_012478.4(WBP2):c.593C>T (p.Pro198Leu)

Gene: WBP2 (WW domain binding protein 2; minus strand). Cytogenetic location: 17q25.1.
Variant type: single nucleotide variant.
Coding change: c.593C>T on transcript NM_012478.4 (MANE Select); coding-DNA position 593, C replaced by T.
Protein change: p.Pro198Leu; replaces proline 198 with leucine.
Molecular consequence: missense variant.
Genome position (GRCh38, 1-based): chr17:75,847,549, G>A on the plus strand (C>T on the coding strand, the complement: WBP2 is on the minus strand). VCF-style: chr17-75847549-G-A. GRCh37 (hg19) VCF-style: chr17-73843630-G-A.
Other names: c.458C>T, p.Pro153Leu (NM_001330499.2); c.593C>T, p.Pro198Leu (NM_001348170.1); c.593C>T (NM_012478.3); short protein forms P153L, P198L.
Identifiers: ClinVar variation 1444730 (VCV001444730.9), dbSNP rs1036589187, ClinGen allele CA294092690.

ClinVar aggregate classification (germline): Uncertain significance. Review status: criteria provided, multiple submitters, no conflicts (2 of 4 stars). 2 submissions from 2 submitters: Uncertain significance (2). Last evaluated 2025-11-20.

Allele frequency attached by ClinVar (database versions not stated): gnomAD exomes 0.00001; gnomAD 0.00002 and 0.00003; TOPMed 0.00003.
gnomAD v4.1: 14 of 1,601,980 alleles (0.00087%); highest among the groups gnomAD compares: Admixed American, 0.0034%; no homozygotes.

Submissions (2):

Ambry Genetics
Classification: Uncertain significance. Last evaluated: 2025-11-20. Review status: criteria provided, single submitter. Criteria: Ambry Variant Classification Scheme 2023. Collection method: clinical testing. Allele origin: germline.

Labcorp Genetics (formerly Invitae), Labcorp
Classification: Uncertain significance. Last evaluated: 2021-04-06. Review status: criteria provided, single submitter. Criteria: Invitae Variant Classification Sherloc (09022015). Collection method: clinical testing. Allele origin: germline.
Comment: This variant has not been reported in the literature in individuals with WBP2-related conditions. This variant is not present in population databases (ExAC no frequency). This sequence change replaces proline with leucine at codon 198 of the WBP2 protein (p.Pro198Leu). The proline residue is moderately conserved and there is a moderate physicochemical difference between proline and leucine. Algorithms developed to predict the effect of missense changes on protein structure and function are either unavailable or do not agree on the potential impact of this missense change (SIFT: "Tolerated"; PolyPhen-2: "Probably Damaging"; Align-GVGD: "Class C0"). In summary, the available evidence is currently insufficient to determine the role of this variant in disease. Therefore, it has been classified as a Variant of Uncertain Significance.